The following is an entry in ClinVar:

ClinVar aggregate classification (germline): Likely pathogenic (1 of 4 stars; one submission).

Submission:

Labcorp Genetics (formerly Invitae), Labcorp
Classification: Likely pathogenic. Last evaluated: 2024-09-15. Review status: criteria provided, single submitter. Criteria: Invitae Variant Classification Sherloc (09022015). Collection method: clinical testing. Allele origin: germline.
Comment: This variant results in the deletion of part of exon 20 (c.2235_2352+624del) of the NFKB1 gene. It is expected to disrupt RNA splicing. Variants that disrupt the donor or acceptor splice site typically lead to a loss of protein function (PMID: 16199547), and loss-of-function variants in NFKB1 are known to be pathogenic (PMID: 26279205, 29477724). This variant is not present in population databases (gnomAD no frequency). This variant has not been reported in the literature in individuals affected with NFKB1-related conditions. In summary, the currently available evidence indicates that the variant is pathogenic, but additional data are needed to prove that conclusively. Therefore, this variant has been classified as Likely Pathogenic.

Literature cited by the submitters: PubMed 16199547; PubMed 26279205; PubMed 29477724.

NM_003998.4(NFKB1):c.2235_2352+624del

Gene: NFKB1 (nuclear factor kappa B subunit 1; plus strand). Cytogenetic location: 4q24.
Variant type: Deletion.
Coding change: c.2235_2352+624del on transcript NM_003998.4 (MANE Select); coding-DNA position 2235 through 624 bases into the intron after coding-DNA position 2352, 742 bases deleted.
Molecular consequence: splice donor variant.
Genome position (GRCh38, 1-based): chr4:102,610,582-102,611,323, 742 bases deleted. GRCh37 (hg19): chr4:103,531,739-103,532,480.
Other names: c.2235_2352+624del (NM_001382626.1, NM_001382625.1); c.2232_2349+624del (NM_001382627.1, NM_001165412.2, NM_001319226.2); c.2193_2310+624del (NM_001382628.1).
Identifiers: ClinVar variation 3717346 (VCV003717346.2).